The following is an entry in ClinVar:

ClinVar aggregate classification (germline): Uncertain significance (1 of 4 stars; one submission).

Allele frequency attached by ClinVar (database versions not stated): TOPMed 0.00001.
gnomAD v4.1: 1 of 1,612,350 alleles (0.000062%); highest among the groups gnomAD compares: Non-Finnish European, 0.000085%; no homozygotes.

Submission:

GeneDx
Classification: Uncertain significance. Last evaluated: 2014-10-03. Review status: criteria provided, single submitter. Criteria: GeneDx Variant Classification (06012015). Collection method: clinical testing. Allele origin: germline. Affected: yes.
Comment: Missense variants in the TTN gene are considered 'unclassified' if they are not previously reported in the literature and do not have >1% frequency in the population to be considered a polymorphism. Research indicates that truncating mutations in the TTN gene are expected to account for approximately 25% of familial and 18% of sporadic idiopathic DCM; however, truncating variants in the TTN gene have been reported in approximately 3% of reported control alleles. There has been little investigation into non-truncating variants. (Herman D et al. Truncations of titin causing dilated cardiomyopathy. N Eng J Med 366:619-628, 2012) The variant is found in CARDIOMYOPATHY panel(s).

NM_133379.5(TTN):c.16098C>A (p.Asp5366Glu)

Gene: TTN (titin; minus strand). Cytogenetic location: 2q31.2.
Variant type: single nucleotide variant.
Coding change: c.16098C>A on transcript NM_133379.5 (MANE Plus Clinical); coding-DNA position 16098, C replaced by A.
Protein change: p.Asp5366Glu; replaces aspartic acid 5366 with glutamic acid.
Molecular consequence: missense variant. On other transcripts: intron variant (6).
Genome position (GRCh38, 1-based): chr2:178,746,302, G>T on the plus strand (C>A on the coding strand, the complement: TTN is on the minus strand). VCF-style: chr2-178746302-G-T. GRCh37 (hg19) VCF-style: chr2-179611029-G-T.
Other names: p.D5366E:GAC>GAA; c.10223-4381C>A (NM_003319.4); c.10799-4381C>A (NM_133437.4); c.10598-4381C>A (NM_133432.3); c.10360+6822C>A (NM_133378.4); c.10361-4381C>A (NM_001256850.1); c.11312-4381C>A (NM_001267550.2); short protein forms D5366E.
Identifiers: ClinVar variation 203214 (VCV000203214.2), dbSNP rs764383815, ClinGen allele CA311701.